The following is an entry in ClinVar:

NM_001136193.2(FASTKD2):c.29G>A (p.Ser10Asn)

Gene: FASTKD2 (FAST kinase domains 2; plus strand). Cytogenetic location: 2q33.3.
Variant type: single nucleotide variant.
Coding change: c.29G>A on transcript NM_001136193.2 (MANE Select); coding-DNA position 29, G replaced by A.
Protein change: p.Ser10Asn; replaces serine 10 with asparagine.
Molecular consequence: missense variant.
Genome position (GRCh38, 1-based): chr2:206,766,722, G>A. VCF-style: chr2-206766722-G-A. GRCh37 (hg19) VCF-style: chr2-207631446-G-A.
Other names: c.29G>A, p.Ser10Asn (NM_001136194.2, NM_014929.4); short protein forms S10N.
Identifiers: ClinVar variation 2200846 (VCV002200846.4), dbSNP rs147727753, ClinGen allele CA2074814.
Genomic context (GRCh38, chr2:206,766,722, plus strand): 5'-TCTTTTTCACTAGTAGAAGTGACGTTGGTTTCATGTTGACAACTTTGAAGCCATTTGGAA[G>A]TGTTTCAGTGGAGAGCAAAATGAATAACAAAGCGGGCTCCTTTTTCTGGAACCTTAGACA-3'
Protein context (NP_001129665.1, residues 1-20): MLTTLKPFG[Ser10Asn]VSVESKMNNK

ClinVar aggregate classification (germline): Uncertain significance (1 of 4 stars; one submission).

gnomAD v4.1: 13 of 1,614,138 alleles (0.00081%); highest among the groups gnomAD compares: Admixed American, 0.022%; no homozygotes.

Submission:

Labcorp Genetics (formerly Invitae), Labcorp
Classification: Uncertain significance. Last evaluated: 2023-08-04. Review status: criteria provided, single submitter. Criteria: Invitae Variant Classification Sherloc (09022015). Collection method: clinical testing. Allele origin: germline.
Comment: In summary, the available evidence is currently insufficient to determine the role of this variant in disease. Therefore, it has been classified as a Variant of Uncertain Significance. An algorithm developed to predict the effect of missense changes on protein structure and function (PolyPhen-2) suggests that this variant is likely to be tolerated. ClinVar contains an entry for this variant (Variation ID: 2200846). This variant has not been reported in the literature in individuals affected with FASTKD2-related conditions. This variant is present in population databases (rs147727753, gnomAD 0.03%). This sequence change replaces serine, which is neutral and polar, with asparagine, which is neutral and polar, at codon 10 of the FASTKD2 protein (p.Ser10Asn).